The following is an entry in ClinVar:

NM_001197104.2(KMT2A):c.10318A>G (p.Ile3440Val)

Gene: KMT2A (lysine methyltransferase 2A; plus strand). Cytogenetic location: 11q23.3.
Variant type: single nucleotide variant.
Coding change: c.10318A>G on transcript NM_001197104.2 (MANE Select); coding-DNA position 10318, A replaced by G.
Protein change: p.Ile3440Val; replaces isoleucine 3440 with valine.
Molecular consequence: missense variant.
Genome position (GRCh38, 1-based): chr11:118,506,210, A>G. VCF-style: chr11-118506210-A-G. GRCh37 (hg19) VCF-style: chr11-118376925-A-G.
Other names: c.10309A>G, p.Ile3437Val (NM_005933.4); short protein forms I3437V, I3440V.
Identifiers: ClinVar variation 770605 (VCV000770605.40), dbSNP rs117099452, ClinGen allele CA6304725.
Genomic context (GRCh38, chr11:118,506,210, plus strand): 5'-ACTGCTGCAATAACAGCGGCATCTAGCATCTGTGTGCTCCCCTCCACTCAGACTACGGGC[A>G]TAACAGCCGCTTCACCTTCTGGGGAAGCAGACGAACACTATCAGCTTCAGCATGTGAACC-3'
Protein context (NP_001184033.1, residues 3430-3450): CVLPSTQTTG[Ile3440Val]TAASPSGEAD

ClinVar aggregate classification (germline): Benign/Likely benign. Review status: criteria provided, multiple submitters, no conflicts (2 of 4 stars). 6 submissions from 6 submitters: Benign (1); Likely benign (3). 2 of the submissions do not count toward it. Last evaluated 2026-06-01.

Allele frequency attached by ClinVar (database versions not stated): 1000 Genomes Project 30x 0.00141; 1000 Genomes Project 0.00160; ExAC 0.00175; gnomAD exomes 0.00185; gnomAD 0.00190 and 0.00191; TOPMed 0.00193; ESP Exome Variant Server 0.00246.
gnomAD v4.1: 3,783 of 1,614,190 alleles (0.23%); highest among the groups gnomAD compares: Non-Finnish European, 0.28%; 6 homozygotes.

Submissions (6):

CeGaT Center for Human Genetics Tuebingen
Classification: Likely benign. Last evaluated: 2026-06-01. Review status: criteria provided, single submitter. Criteria: CeGaT Center For Human Genetics Tuebingen Variant Classification Criteria Version 2. Collection method: clinical testing. Allele origin: germline. Affected: yes. Observed: 8 variant alleles.
Comment: KMT2A: BP4, BS1

Labcorp Genetics (formerly Invitae), Labcorp
Classification: Likely benign. Last evaluated: 2026-02-03. Review status: criteria provided, single submitter. Criteria: Invitae Variant Classification Sherloc (09022015). Collection method: clinical testing. Allele origin: germline.

Blueprint Genetics
Classification: Likely benign. Last evaluated: 2024-10-28. Review status: criteria provided, single submitter. Criteria: ACMG Guidelines, 2015. Collection method: clinical testing. Allele origin: germline.

GeneDx
Classification: Benign. Last evaluated: 2019-11-12. Review status: criteria provided, single submitter. Criteria: GeneDx Variant Classification Process June 2021. Collection method: clinical testing. Allele origin: germline. Affected: yes.

Clinical Genetics DNA and cytogenetics Diagnostics Lab, Erasmus MC, Erasmus Medical Center
Classification: Likely benign. Review status: no assertion criteria provided. Collection method: clinical testing. Allele origin: germline. Affected: yes. Study: VKGL Data-share Consensus. Not counted in ClinVar's aggregate classification.

Laboratory of Diagnostic Genome Analysis, Leiden University Medical Center (LUMC)
Classification: Likely benign. Review status: no assertion criteria provided. Collection method: clinical testing. Allele origin: germline. Affected: yes. Study: VKGL Data-share Consensus. Not counted in ClinVar's aggregate classification.